The following is an entry in ClinVar:

ClinVar aggregate classification (germline): Likely pathogenic (1 of 4 stars; one submission).

Conditions:
ABCA12-related disorder. Also called: ABCA12-related condition.

Submission:

PreventionGenetics, part of Exact Sciences
Classification: Likely pathogenic for ABCA12-related condition. Last evaluated: 2026-01-10. Review status: criteria provided, single submitter. Criteria: ACMG Guidelines, 2015. Collection method: clinical testing. Allele origin: germline.
Comment: The ABCA12 c.1545G>T variant is predicted to result in the amino acid substitution p.Gln515His. This variant occurs at the first nucleotide of exon 13 and is predicted to possibly alter splicing based on available splicing prediction programs (SpliceAI, Jaganathan et al. 2019. PubMed ID: 30661751). However, the use of computer prediction programs is not equivalent to functional evidence. To our knowledge, this variant has not been reported in the literature or in a large population database (gnomAD), indicating this variant is rare. This variant is interpreted as likely pathogenic.

NM_173076.3(ABCA12):c.1545G>T (p.Gln515His)

Gene: ABCA12 (ATP binding cassette subfamily A member 12; minus strand). Cytogenetic location: 2q35.
Variant type: single nucleotide variant.
Coding change: c.1545G>T on transcript NM_173076.3 (MANE Select); coding-DNA position 1545, G replaced by T.
Protein change: p.Gln515His; replaces glutamine 515 with histidine.
Molecular consequence: missense variant. On other transcripts: non-coding transcript variant (1).
Genome position (GRCh38, 1-based): chr2:215,019,448, C>A on the plus strand (G>T on the coding strand, the complement: ABCA12 is on the minus strand). VCF-style: chr2-215019448-C-A. GRCh37 (hg19) VCF-style: chr2-215884172-C-A.
Other names: c.591G>T, p.Gln197His (NM_015657.4); short protein forms Q197H, Q515H.
Identifiers: ClinVar variation 5002208 (VCV005002208.1).